The following is an entry in ClinVar:

NM_002460.4(IRF4):c.1000A>G (p.Ile334Val)

Gene: IRF4 (interferon regulatory factor 4; plus strand). Cytogenetic location: 6p25.3.
Variant type: single nucleotide variant.
Coding change: c.1000A>G on transcript NM_002460.4 (MANE Select); coding-DNA position 1000, A replaced by G.
Protein change: p.Ile334Val; replaces isoleucine 334 with valine.
Molecular consequence: missense variant. On other transcripts: non-coding transcript variant (1).
Genome position (GRCh38, 1-based): chr6:401,678, A>G. VCF-style: chr6-401678-A-G. GRCh37 (hg19) VCF-style: chr6-401678-A-G.
Other names: c.997A>G, p.Ile333Val (NM_001195286.2); short protein forms I333V, I334V.
Identifiers: ClinVar variation 4856014 (VCV004856014.1).
Genomic context (GRCh38, chr6:401,678, plus strand): 5'-GGCGTGGTCCTCTGGATGGCCCCCGACGGGCTCTATGCGAAAAGACTGTGCCAGAGCAGG[A>G]TCTACTGGGACGGGCCCCTGGCGCTGTGCAACGACCGGCCCAACAAACTGGAGAGAGACC-3'
Protein context (NP_002451.2, residues 324-344): LYAKRLCQSR[Ile334Val]YWDGPLALCN

ClinVar aggregate classification (germline): Uncertain significance (1 of 4 stars; one submission).

Conditions:
Immunodeficiency 131. Identifiers: MedGen C6012696, MONDO:0976229, OMIM 621097.

gnomAD v4.1: 2 of 1,614,224 alleles (0.00012%); highest among the groups gnomAD compares: Non-Finnish European, 0.00017%; no homozygotes.

Submission:

3billion
Classification: Uncertain significance for Immunodeficiency 131. Last evaluated: 2025-12-08. Review status: criteria provided, single submitter. Criteria: ACMG Guidelines, 2015. Collection method: clinical testing. Allele origin: germline. Affected: yes.
Comment: The variant is observed at an extremely low frequency in the gnomAD v4.1.0 dataset (total allele frequency: <0.001%). Predicted Consequence/Location: Missense variant. Missense changes are a common disease-causing mechanism. In silico tool predictions suggest no damaging effect of the variant on gene or gene product [REVEL: 0.24 (<0.4); 3Cnet: 0.04 (<0.1, specificity 0.84 and negative predicitive value 0.97)]. Therefore, this variant is classified as VUS according to the recommendation of ACMG/AMP guideline.